The following is an entry in ClinVar:

ClinVar aggregate classification (germline): Likely pathogenic (1 of 4 stars; one submission).

Conditions:
FOXC1-related disorder. Also called: FOXC1-related condition.

Submission:

PreventionGenetics, part of Exact Sciences
Classification: Likely pathogenic for FOXC1-related condition. Last evaluated: 2022-11-22. Review status: criteria provided, single submitter. Criteria: ACMG Guidelines, 2015. Collection method: clinical testing. Allele origin: germline.
Comment: The FOXC1 c.104_105delinsT variant is predicted to result in a frameshift and premature protein termination (p.Gly35Valfs*10). To our knowledge, this variant has not been reported in the literature or in a large population database, indicating this variant is rare. Frameshift variants in FOXC1 are expected to be pathogenic. This variant is interpreted as likely pathogenic.

NM_001453.3(FOXC1):c.104_105delinsT (p.Gly35fs)

Gene: FOXC1 (forkhead box C1; plus strand). Cytogenetic location: 6p25.3.
Variant type: Indel.
Coding change: c.104_105delinsT on transcript NM_001453.3 (MANE Select); coding-DNA positions 104 to 105, GC replaced by T.
Protein change: p.Gly35fs; shifts the reading frame from glycine 35.
Molecular consequence: frameshift variant.
Genome position (GRCh38, 1-based): chr6:1,610,549-1,610,550, GC replaced by T. VCF-style: chr6-1610549-GC-T. GRCh37 (hg19) VCF-style: chr6-1610784-GC-T.
Other names: short protein forms G35fs.
Identifiers: ClinVar variation 2635518 (VCV002635518.1), dbSNP rs2480501508, ClinGen allele CA2695198804.